The following is an entry in ClinVar:

ClinVar aggregate classification (germline): Uncertain significance. Review status: criteria provided, multiple submitters, no conflicts (2 of 4 stars). 2 submissions from 2 submitters: Uncertain significance (2). Last evaluated 2025-04-01.

Allele frequency attached by ClinVar (database versions not stated): gnomAD exomes below 0.00001; gnomAD 0.00001; ExAC 0.00003; TOPMed 0.00007.

Submissions (2):

Ambry Genetics
Classification: Uncertain significance. Last evaluated: 2025-04-01. Review status: criteria provided, single submitter. Criteria: Ambry Variant Classification Scheme 2023. Collection method: clinical testing. Allele origin: germline.

Labcorp Genetics (formerly Invitae), Labcorp
Classification: Uncertain significance. Last evaluated: 2023-09-12. Review status: criteria provided, single submitter. Criteria: Invitae Variant Classification Sherloc (09022015). Collection method: clinical testing. Allele origin: germline.
Comment: In summary, the available evidence is currently insufficient to determine the role of this variant in disease. Therefore, it has been classified as a Variant of Uncertain Significance. Algorithms developed to predict the effect of missense changes on protein structure and function output the following: SIFT: "Not Available"; PolyPhen-2: "Benign"; Align-GVGD: "Not Available". The leucine amino acid residue is found in multiple mammalian species, which suggests that this missense change does not adversely affect protein function. This variant has not been reported in the literature in individuals affected with ATRIP-related conditions. This variant is present in population databases (rs775618032, gnomAD 0.01%). This sequence change replaces proline, which is neutral and non-polar, with leucine, which is neutral and non-polar, at codon 340 of the ATRIP protein (p.Pro340Leu).

NM_130384.3(ATRIP):c.1019C>T (p.Pro340Leu)

Genes: ATRIP (ATR interacting protein; plus strand), ATRIP-TREX1 (ATRIP-TREX1 readthrough; plus strand). Cytogenetic location: 3p21.31.
Variant type: single nucleotide variant.
Coding change: c.1019C>T on transcript NM_130384.3 (MANE Select); coding-DNA position 1019, C replaced by T.
Protein change: p.Pro340Leu; replaces proline 340 with leucine.
Molecular consequence: missense variant. On other transcripts: non-coding transcript variant (1).
Genome position (GRCh38, 1-based): chr3:48,459,880, C>T. VCF-style: chr3-48459880-C-T. GRCh37 (hg19) VCF-style: chr3-48501279-C-T.
Other names: c.1019C>T (NM_130384.1); c.638C>T, p.Pro213Leu (NM_001271022.2); c.740C>T, p.Pro247Leu (NM_001271023.2); c.1019C>T, p.Pro340Leu (NM_032166.4); short protein forms P340L, P213L, P247L.
Identifiers: ClinVar variation 2893021 (VCV002893021.5), dbSNP rs775618032, ClinGen allele CA2376115.